The following is an entry in ClinVar:

NM_017534.6(MYH2):c.71G>T (p.Arg24Leu)

Genes: MYHAS (myosin heavy chain gene cluster antisense RNA; plus strand), MYH2 (myosin heavy chain 2; minus strand). Cytogenetic location: 17p13.1.
Variant type: single nucleotide variant.
Coding change: c.71G>T on transcript NM_017534.6 (MANE Select); coding-DNA position 71, G replaced by T.
Protein change: p.Arg24Leu; replaces arginine 24 with leucine.
Molecular consequence: missense variant.
Genome position (GRCh38, 1-based): chr17:10,547,850, C>A on the plus strand (G>T on the coding strand, the complement: MYH2 is on the minus strand). VCF-style: chr17-10547850-C-A. GRCh37 (hg19) VCF-style: chr17-10451167-C-A.
Other names: c.71G>T, p.Arg24Leu (NM_001100112.2); short protein forms R24L.
Identifiers: ClinVar variation 321701 (VCV000321701.13), dbSNP rs141174023, ClinGen allele CA8391739.
Genomic context (GRCh38, chr17:10,547,850, plus strand): 5'-TTGGGCTCCGCCACAAAGACAGATGTTTTGGCATCAAAGGGCCTATTCTGGGCCTCAATG[C>A]GCTCCCTTTCAGACTTTCGGAGGAAAGGAGCAGCCTCCCCAAAAACAGCCAATTCTGAGT-3'
Protein context (NP_060004.3, residues 14-34): APFLRKSERE[Arg24Leu]IEAQNRPFDA

ClinVar aggregate classification (germline): Uncertain significance. Review status: criteria provided, multiple submitters, no conflicts (2 of 4 stars). 5 submissions from 5 submitters: Uncertain significance (5). Last evaluated 2025-10-22.

Conditions:
Inborn genetic diseases. Identifiers: MedGen C0950123, MeSH D030342.
Myopathy, proximal, and ophthalmoplegia (CMYO6). Also called: MYOPATHY WITH CONGENITAL JOINT CONTRACTURES, OPHTHALMOPLEGIA, AND RIMMED VACUOLES; INCLUSION BODY MYOPATHY 3, AUTOSOMAL DOMINANT; CONGENITAL MYOPATHY 6 WITH OPHTHALMOPLEGIA. Identifiers: Orphanet 363677, Orphanet 79091, MedGen C1854106, MONDO:0011577, OMIM 605637.

Allele frequency attached by ClinVar (database versions not stated): TOPMed 0.00002.
gnomAD v4.1: 19 of 1,614,056 alleles (0.0012%); highest among the groups gnomAD compares: Middle Eastern, 0.033%; no homozygotes.

Submissions (5):

Ambry Genetics
Classification: Uncertain significance for Inborn genetic diseases. Last evaluated: 2025-10-22. Review status: criteria provided, single submitter. Criteria: Ambry Variant Classification Scheme 2023. Collection method: clinical testing. Allele origin: germline.

Women's Health and Genetics/Laboratory Corporation of America, LabCorp
Classification: Uncertain significance. Last evaluated: 2024-03-26. Review status: criteria provided, single submitter. Criteria: LabCorp Variant Classification Summary - May 2015. Collection method: clinical testing. Allele origin: germline.
Comment: Variant summary: MYH2 c.71G>T (p.Arg24Leu) results in a non-conservative amino acid change in the encoded protein sequence. Four of five in-silico tools predict a damaging effect of the variant on protein function. The variant allele was found at a frequency of 2e-05 in 251074 control chromosomes. The available data on variant occurrences in the general population are insufficient to allow any conclusion about variant significance. To our knowledge, no occurrence of c.71G>T in individuals affected with Myopathy, Proximal, And Ophthalmoplegia and no experimental evidence demonstrating its impact on protein function have been reported. ClinVar contains an entry for this variant (Variation ID: 321701). Based on the evidence outlined above, the variant was classified as uncertain significance.

GeneDx
Classification: Uncertain significance. Last evaluated: 2023-12-21. Review status: criteria provided, single submitter. Criteria: GeneDx Variant Classification Process June 2021. Collection method: clinical testing. Allele origin: germline. Affected: yes.
Comment: Not observed at significant frequency in large population cohorts (gnomAD); In silico analysis supports that this missense variant has a deleterious effect on protein structure/function; Has not been previously published as pathogenic or benign to our knowledge

Labcorp Genetics (formerly Invitae), Labcorp
Classification: Uncertain significance for Myopathy, proximal, and ophthalmoplegia. Last evaluated: 2023-05-22. Review status: criteria provided, single submitter. Criteria: Invitae Variant Classification Sherloc (09022015). Collection method: clinical testing. Allele origin: germline.
Comment: In summary, the available evidence is currently insufficient to determine the role of this variant in disease. Therefore, it has been classified as a Variant of Uncertain Significance. Advanced modeling of protein sequence and biophysical properties (such as structural, functional, and spatial information, amino acid conservation, physicochemical variation, residue mobility, and thermodynamic stability) performed at Invitae indicates that this missense variant is not expected to disrupt MYH2 protein function. ClinVar contains an entry for this variant (Variation ID: 321701). This variant has not been reported in the literature in individuals affected with MYH2-related conditions. This variant is present in population databases (rs141174023, gnomAD 0.006%). This sequence change replaces arginine, which is basic and polar, with leucine, which is neutral and non-polar, at codon 24 of the MYH2 protein (p.Arg24Leu).

Illumina Laboratory Services, Illumina
Classification: Uncertain significance for Myopathy, proximal, and ophthalmoplegia. Last evaluated: 2018-01-13. Review status: criteria provided, single submitter. Criteria: ICSL Variant Classification Criteria 13 December 2019. Collection method: clinical testing. Allele origin: germline.